The following is an entry in ClinVar:

NM_004586.3(RPS6KA3):c.909_910insT (p.Lys304Ter)

Gene: RPS6KA3 (ribosomal protein S6 kinase A3; minus strand). Cytogenetic location: Xp22.12.
Variant type: Insertion.
Coding change: c.909_910insT on transcript NM_004586.3 (MANE Select); coding-DNA positions 909 to 910, T inserted.
Protein change: p.Lys304Ter; replaces lysine 304 with a stop codon.
Molecular consequence: nonsense.
Genome position: GRCh38 VCF-style: chrX-20177020-T-TA. GRCh37 (hg19) VCF-style: chrX-20195138-T-TA.
Other names: short protein forms K304*.
Identifiers: ClinVar variation 3759341 (VCV003759341.2).

ClinVar aggregate classification (germline): Pathogenic (1 of 4 stars; one submission).

Conditions:
Coffin-Lowry syndrome (CLS). Also called: Mental retardation with osteocartilaginous abnormalities; COFFIN-LOWRY SYNDROME, MILD. Identifiers: Orphanet 192, MedGen C0265252, MONDO:0010561, OMIM 303600.
Intellectual developmental disorder, X-linked 19. Also called: Intellectual disability, X-linked 19. Identifiers: Orphanet 777, MedGen C0796225, MONDO:0010447, OMIM 300844.

Submission:

Labcorp Genetics (formerly Invitae), Labcorp
Classification: Pathogenic for Coffin-Lowry syndrome; Intellectual developmental disorder, X-linked 19. Last evaluated: 2024-10-03. Review status: criteria provided, single submitter. Criteria: Invitae Variant Classification Sherloc (09022015). Collection method: clinical testing. Allele origin: germline.
Comment: This sequence change creates a premature translational stop signal (p.Lys304*) in the RPS6KA3 gene. It is expected to result in an absent or disrupted protein product. Loss-of-function variants in RPS6KA3 are known to be pathogenic (PMID: 9837815, 19888300). This variant is not present in population databases (gnomAD no frequency). This variant has not been reported in the literature in individuals affected with RPS6KA3-related conditions. Algorithms developed to predict the effect of sequence changes on RNA splicing suggest that this variant may disrupt the consensus splice site. For these reasons, this variant has been classified as Pathogenic.

Literature cited by the submitters: PubMed 9837815; PubMed 19888300.